The following is an entry in ClinVar:

NM_000038.6(APC):c.5782C>T (p.Gln1928Ter)

Gene: APC (APC regulator of Wnt signaling pathway; plus strand). Cytogenetic location: 5q22.2.
Variant type: single nucleotide variant.
Coding change: c.5782C>T on transcript NM_000038.6 (MANE Select); coding-DNA position 5782, C replaced by T.
Protein change: p.Gln1928Ter; replaces glutamine 1928 with a stop codon.
Molecular consequence: nonsense. On other transcripts: non-coding transcript variant (2).
Genome position (GRCh38, 1-based): chr5:112,841,376, C>T. VCF-style: chr5-112841376-C-T. GRCh37 (hg19) VCF-style: chr5-112177073-C-T.
Other names: c.5782C>T, p.Gln1928Ter (NM_001127510.3, NM_001354895.2, NM_001407450.1); c.5728C>T, p.Gln1910Ter (NM_001127511.3); c.5836C>T, p.Gln1946Ter (NM_001354896.2, NM_001407447.1, NM_001407448.1 and 1 more transcripts); c.5812C>T, p.Gln1938Ter (NM_001354897.2); c.5707C>T, p.Gln1903Ter (NM_001354898.2); c.5698C>T, p.Gln1900Ter (NM_001354899.2); c.5659C>T, p.Gln1887Ter (NM_001354900.2); c.5605C>T, p.Gln1869Ter (NM_001354901.2, NM_001407453.1); and 11 more; short protein forms Q1768*, Q1887*, Q1900*, Q1921*, Q1946*, Q1845*, Q1544*, Q1799*.
Identifiers: ClinVar variation 4120407 (VCV004120407.1).

ClinVar aggregate classification (germline): Likely pathogenic (1 of 4 stars; one submission).

Conditions:
Hereditary cancer-predisposing syndrome. Also called: Hereditary neoplastic syndrome; Neoplastic Syndromes, Hereditary; Tumor predisposition; Hereditary Cancer Syndrome. Identifiers: Orphanet 140162, MedGen C0027672, MeSH D009386, MONDO:0015356.

Submission:

Ambry Genetics
Classification: Likely pathogenic for Hereditary cancer-predisposing syndrome. Last evaluated: 2025-07-02. Review status: criteria provided, single submitter. Criteria: Ambry Variant Classification Scheme 2023. Collection method: clinical testing. Allele origin: germline.
Comment: The p.Q1928* variant (also known as c.5782C>T), located in coding exon 15 of the APC gene, results from a C to T substitution at nucleotide position 5782. This changes the amino acid from a glutamine to a stop codon within coding exon 15. This alteration occurs at the 3' terminus of theAPC gene, is not expected to trigger nonsense-mediated mRNA decay, and impacts the last 916 amino acids of the protein. However, premature stop codons are typically deleterious in nature and a significant portion of the protein is affected (Ambry internal data). Based on the majority of available evidence to date, this variant is likely to be pathogenic.